The following is an entry in ClinVar:

ClinVar aggregate classification (germline): Uncertain significance (1 of 4 stars; one submission).

Conditions:
Neuronal ceroid lipofuscinosis 7 (CLN7). Also called: MFSD8-Related Neuronal Ceroid-Lipofuscinosis. Identifiers: Orphanet 168491, Orphanet 228366, MedGen C1838571, MONDO:0012588, OMIM 610951.

Submission:

Labcorp Genetics (formerly Invitae), Labcorp
Classification: Uncertain significance for Neuronal ceroid lipofuscinosis 7. Last evaluated: 2026-01-12. Review status: criteria provided, single submitter. Criteria: Invitae Variant Classification Sherloc (09022015). Collection method: clinical testing. Allele origin: germline.
Comment: This sequence change replaces leucine, which is neutral and non-polar, with proline, which is neutral and non-polar, at codon 344 of the MFSD8 protein (p.Leu344Pro). This variant is not present in population databases (gnomAD no frequency). This variant has not been reported in the literature in individuals affected with MFSD8-related conditions. Invitae Evidence Modeling of protein sequence and biophysical properties (such as structural, functional, and spatial information, amino acid conservation, physicochemical variation, residue mobility, and thermodynamic stability) has been performed for this missense variant. However, the output from this modeling did not meet the statistical confidence thresholds required to predict the impact of this variant on MFSD8 protein function. In summary, the available evidence is currently insufficient to determine the role of this variant in disease. Therefore, it has been classified as a Variant of Uncertain Significance.

NM_001371596.2(MFSD8):c.1031T>C (p.Leu344Pro)

Gene: MFSD8 (major facilitator superfamily domain containing 8; minus strand). Cytogenetic location: 4q28.2.
Variant type: single nucleotide variant.
Coding change: c.1031T>C on transcript NM_001371596.2 (MANE Select); coding-DNA position 1031, T replaced by C.
Protein change: p.Leu344Pro; replaces leucine 344 with proline.
Molecular consequence: missense variant. On other transcripts: intron variant (2).
Genome position (GRCh38, 1-based): chr4:127,921,931, A>G on the plus strand (T>C on the coding strand, the complement: MFSD8 is on the minus strand). VCF-style: chr4-127921931-A-G. GRCh37 (hg19) VCF-style: chr4-128843086-A-G.
Other names: c.830T>C, p.Leu277Pro (NM_001363520.3); c.716T>C, p.Leu239Pro (NM_001363521.3); c.896T>C, p.Leu299Pro (NM_001371590.2); c.1031T>C, p.Leu344Pro (NM_001371591.2, NM_152778.4); c.1037T>C, p.Leu346Pro (NM_001371592.2); c.917T>C, p.Leu306Pro (NM_001371593.2); c.884T>C, p.Leu295Pro (NM_001371594.2); c.749T>C, p.Leu250Pro (NM_001371595.1); and 3 more; short protein forms L194P, L239P, L250P, L277P, L295P, L299P, L306P, L344P.
Identifiers: ClinVar variation 4805023 (VCV004805023.1).
Genomic context (GRCh38, chr4:127,921,931, plus strand): 5'-ATTTTGGGAAATTGATTTCCCCAAGGTAACAAGATAAAGAAGCCAACCCATACAACGATG[A>G]GTCCTCCCAGTAGAATAGCACGCTCGCCAATCCTGTTAAAGAACAGAAACTCTGTAATTT-3'
Protein context (NP_001358525.1, residues 334-354): IGERAILLGG[Leu344Pro]IVVWVGFFIL